The following is an entry in ClinVar:

ClinVar aggregate classification (germline): Uncertain significance (1 of 4 stars; one submission).

Conditions:
Cystic fibrosis (CF). Also called: MUCOVISCIDOSIS. Identifiers: Orphanet 586, MedGen C0010674, MONDO:0009061, OMIM 219700. Disease mechanism: loss of function.

Submission:

Ambry Genetics
Classification: Uncertain significance for Cystic fibrosis. Last evaluated: 2015-01-19. Review status: criteria provided, single submitter. Criteria: Ambry Variant Classification Scheme 2023. Collection method: clinical testing. Allele origin: germline.
Comment: The c.-545A>C alteration is located in the 5' untranslated region (5'UTR) of the CFTR gene. This alteration consists of a A to C substitution nucleotides upstream from the first translated codon. Based on insufficient or conflicting evidence, the clinical significance of this alteration remains unclear.

NM_000492.3(CFTR):c.-545A>C

Genes: CFTR (CF transmembrane conductance regulator; plus strand), LOC111674463 (CFTR promoter region; plus strand). Cytogenetic location: 7q31.2.
Variant type: single nucleotide variant.
Coding change: c.-545A>C on transcript NM_000492.3; 545 bases upstream of the start codon, A replaced by C.
Genome position (GRCh38, 1-based): chr7:117,479,550, A>C. VCF-style: chr7-117479550-A-C. GRCh37 (hg19) VCF-style: chr7-117119604-A-C.
Identifiers: ClinVar variation 3076098 (VCV003076098.1), dbSNP rs2484926414, ClinGen allele CA2825001513.